The following is an entry in ClinVar:

ClinVar aggregate classification (germline): Pathogenic (1 of 4 stars; one submission).

Allele frequency attached by ClinVar (database versions not stated): TOPMed 0.00003 and 0.00002.
gnomAD v4.1: 1 of 1,208,686 alleles (0.000083%); highest among the groups gnomAD compares: Non-Finnish European, 0.00011%; no homozygotes.

Submission:

ARUP Laboratories, Molecular Genetics and Genomics, ARUP Laboratories
Classification: Pathogenic. Last evaluated: 2018-04-22. Review status: criteria provided, single submitter. Criteria: ARUP Molecular Germline Variant Investigation Process. Collection method: clinical testing. Allele origin: germline.
Comment: The F8 c.5605G>A; p.Gly1869Ser, also known as p.Gly1850Ser for legacy nomenclature, has been described in at least one individual with severe hemophilia A (Ravanbod 2012). It is absent from general population databases (1000 Genomes Project, Exome Variant Server, and Genome Aggregation Database), indicating it is not a common polymorphism. The glycine at codon 1869 is highly conserved and computational algorithms (PolyPhen-2, SIFT) predict that this variant is deleterious. Additionally, other variants at this codon (p.Gly1869Asp, p.Gly1869Val) have been reported in individuals with severe hemophilia A and are classified as pathogenic (see link to Factor VIII Database and references therein). Based on available information, this variant is considered pathogenic. References: Link to FVIII Database: Ravanbod S et al. Identification of 123 previously unreported mutations in the F8 gene of Iranian patients with haemophilia A. Haemophilia. 2012 May;18(3):e340-6.

NM_000132.4(F8):c.5605G>A (p.Gly1869Ser)

Gene: F8 (coagulation factor VIII; minus strand). Cytogenetic location: Xq28.
Variant type: single nucleotide variant.
Coding change: c.5605G>A on transcript NM_000132.4 (MANE Select); coding-DNA position 5605, G replaced by A.
Protein change: p.Gly1869Ser; replaces glycine 1869 with serine.
Molecular consequence: missense variant.
Genome position (GRCh38, 1-based): chrX:154,904,506, C>T on the plus strand (G>A on the coding strand, the complement: F8 is on the minus strand). VCF-style: chrX-154904506-C-T. GRCh37 (hg19) VCF-style: chrX-154132781-C-T.
Other names: short protein forms G1869S.
Identifiers: ClinVar variation 618640 (VCV000618640.8), dbSNP rs1417520379, ClinGen allele CA414908226.
Genomic context (GRCh38, chrX:154,904,506, plus strand): 5'-GTCTCCCATGAGCAGGGTTCAGTGTGTTAGTGTGGCAGACCAGAAGGGGTCCAATCAGGC[C>T]TGAGTGCACATCTTTTTCCTAGGGAGGGAAGACATCAATCCTATGAGTATAAGCTCTCTC-3'
Protein context (NP_000123.1, residues 1859-1879): DVDLEKDVHS[Gly1869Ser]LIGPLLVCHT